The following is an entry in ClinVar:

NM_001144757.3(SCG5):c.201T>C (p.Asn67=)

Genes: ARHGAP11A-SCG5 (ARHGAP11A-SCG5 readthrough; plus strand), SCG5 (secretogranin V; plus strand). Cytogenetic location: 15q13.3.
Variant type: single nucleotide variant.
Coding change: c.201T>C on transcript NM_001144757.3 (MANE Select); coding-DNA position 201, T replaced by C.
Protein change: p.Asn67=; no amino-acid change (asparagine 67 retained).
Molecular consequence: synonymous variant.
Genome position (GRCh38, 1-based): chr15:32,643,793, T>C. VCF-style: chr15-32643793-T-C. GRCh37 (hg19) VCF-style: chr15-32935994-T-C.
Other names: c.1443T>C, p.Asn481= (NM_001368319.1); c.201T>C, p.Asn67= (NM_001394278.1, NM_001394279.1, NM_003020.5).
Identifiers: ClinVar variation 4874322 (VCV004874322.2).

ClinVar aggregate classification (germline): Likely benign (1 of 4 stars; one submission).

Submission:

CeGaT Center for Human Genetics Tuebingen
Classification: Likely benign. Last evaluated: 2026-06-01. Review status: criteria provided, single submitter. Criteria: CeGaT Center For Human Genetics Tuebingen Variant Classification Criteria Version 2. Collection method: clinical testing. Allele origin: germline. Affected: yes. Observed: 1 variant allele.
Comment: SCG5: PM2:Supporting, BP4, BP7